The following is an entry in ClinVar:

ClinVar aggregate classification (germline): Pathogenic (1 of 4 stars; one submission).

Conditions:
Anemia, nonspherocytic hemolytic, due to G6PD deficiency (CNSHA1). Also called: ANEMIA, CONGENITAL, NONSPHEROCYTIC HEMOLYTIC, 1; Class I glucose-6-phosphate dehydrogenase deficiency; Favism, susceptibility to; Hemolytic anemia due to G6PD deficiency. Identifiers: Orphanet 466026, MedGen C2720289, MONDO:0010480, OMIM 300908.

Allele frequency attached by ClinVar (database versions not stated): gnomAD 0.00002.
gnomAD v4.1: 2 of 754,145 alleles (0.00027%); highest among the groups gnomAD compares: African/African-American, 0.0046%; no homozygotes.

Submission:

Dunham Lab, University of Washington
Classification: Pathogenic for Anemia, nonspherocytic hemolytic, due to G6PD deficiency. Last evaluated: 2022-08-12. Review status: criteria provided, single submitter. Criteria: Bayesian ACMG Guidelines, 2018. Collection method: curation. Allele origin: unknown.
Comment: Converts canonical 5' donor splice site GT>GG (PVS1). Below expected carrier frequency in gnomAD (PM2). Post_P 0.994 (odds of pathogenicity 1516, Prior_P 0.1).

NM_001042351.3(G6PD):c.-9+2T>G

Genes: G6PD (glucose-6-phosphate dehydrogenase; minus strand), IKBKG (inhibitor of nuclear factor kappa B kinase regulatory subunit gamma; plus strand), LOC107181288 (origin of replication in promoter of G6PD; plus strand). Cytogenetic location: Xq28.
Variant type: single nucleotide variant.
Coding change: c.-9+2T>G on transcript NM_001042351.3; the canonical splice donor site of the intron after 9 bases upstream of the start codon, T replaced by G.
Molecular consequence: splice donor variant. On other transcripts: intron variant (4).
Genome position (GRCh38, 1-based): chrX:154,547,466, A>C on the plus strand (T>G on the coding strand, the complement: G6PD is on the minus strand). VCF-style: chrX-154547466-A-C. GRCh37 (hg19) VCF-style: chrX-153775681-A-C.
Other names: c.-15-4522A>C (NM_001377312.1, NM_001377313.1, NM_001321396.3); c.190-4522A>C (NM_001099856.6).
Identifiers: ClinVar variation 1722643 (VCV001722643.2), dbSNP rs1557233915, ClinGen allele CA645180508.